The following is an entry in ClinVar:

ClinVar aggregate classification (germline): Uncertain significance (1 of 4 stars; one submission).

gnomAD v4.1: 3 of 1,611,562 alleles (0.00019%); highest among the groups gnomAD compares: African/African-American, 0.004%; no homozygotes.

Submission:

Labcorp Genetics (formerly Invitae), Labcorp
Classification: Uncertain significance. Last evaluated: 2023-10-14. Review status: criteria provided, single submitter. Criteria: Invitae Variant Classification Sherloc (09022015). Collection method: clinical testing. Allele origin: germline.
Comment: This sequence change affects codon 286 of the SEPT9 mRNA. It is a 'silent' change, meaning that it does not change the encoded amino acid sequence of the SEPT9 protein. It affects a nucleotide within the consensus splice site. The frequency data for this variant in the population databases is considered unreliable, as metrics indicate poor data quality at this position in the gnomAD database. This variant has not been reported in the literature in individuals affected with SEPT9-related conditions. ClinVar contains an entry for this variant (Variation ID: 2445559). Algorithms developed to predict the effect of sequence changes on RNA splicing suggest that this variant may create or strengthen a splice site. In summary, the available evidence is currently insufficient to determine the role of this variant in disease. Therefore, it has been classified as a Variant of Uncertain Significance.

NM_001113491.2(SEPTIN9):c.912C>G (p.Val304=)

Gene: SEPTIN9 (septin 9; plus strand). Cytogenetic location: 17q25.3.
Variant type: single nucleotide variant.
Coding change: c.912C>G on transcript NM_001113491.2 (MANE Select); coding-DNA position 912, C replaced by G.
Protein change: p.Val304=; no amino-acid change (valine 304 retained).
Molecular consequence: synonymous variant.
Genome position (GRCh38, 1-based): chr17:77,482,334, C>G. VCF-style: chr17-77482334-C-G. GRCh37 (hg19) VCF-style: chr17-75478416-C-G.
Other names: c.420C>G, p.Val140= (NM_001113492.2, NM_001113494.1); c.891C>G, p.Val297= (NM_001113493.2); c.159C>G, p.Val53= (NM_001113495.2, NM_001113496.2, NM_001293697.2 and 1 more transcripts); c.855C>G, p.Val285= (NM_001293695.2); c.240C>G, p.Val80= (NM_001293696.2); c.858C>G, p.Val286= (NM_006640.5).
Identifiers: ClinVar variation 2445559 (VCV002445559.4), dbSNP rs187657144, ClinGen allele CA294293863.